The following is an entry in ClinVar:

NC_000007.13:g.(?_124499001)_(124537227_?)dup

Gene: POT1 (protection of telomeres 1; minus strand). Cytogenetic location: 7q31.33.
Variant type: Duplication.
Identifiers: ClinVar variation 2426151 (VCV002426151.5).

ClinVar aggregate classification (germline): Uncertain significance (1 of 4 stars; one submission).

Conditions:
Tumor predisposition syndrome 3 (TPDS3). Also called: Melanoma, cutaneous malignant, susceptibility to, 10; Glioma susceptibility 9; LONG TELOMERE SYNDROME, POT1-RELATED; POT1 Tumor Predisposition. Identifiers: Orphanet 618, MedGen C4014476, MONDO:0014368, OMIM 615848.

Submission:

Labcorp Genetics (formerly Invitae), Labcorp
Classification: Uncertain significance for Tumor predisposition syndrome 3. Last evaluated: 2021-12-11. Review status: criteria provided, single submitter. Criteria: Invitae Variant Classification Sherloc (09022015). Collection method: clinical testing. Allele origin: germline.
Comment: This variant results in a copy number gain of the genomic region encompassing exon(s) 5-9 of the POT1 gene. This region includes the initiator codon of the gene. This copy number gain extends beyond the assayed region for this gene and therefore may encompass additional genes. As the precise location of this event is unknown, it may be in tandem or it may be located elsewhere in the genome. In summary, the available evidence is currently insufficient to determine the role of this variant in disease. Therefore, it has been classified as a Variant of Uncertain Significance. Experimental studies and prediction algorithms are not available or were not evaluated, and the functional significance of this variant is currently unknown. This variant has not been reported in the literature in individuals affected with POT1-related conditions.